The following is an entry in ClinVar:

NM_007194.4(CHEK2):c.1324A>G (p.Ser442Gly)

Gene: CHEK2 (checkpoint kinase 2; minus strand). Cytogenetic location: 22q12.1.
Variant type: single nucleotide variant.
Coding change: c.1324A>G on transcript NM_007194.4 (MANE Select); coding-DNA position 1324, A replaced by G.
Protein change: p.Ser442Gly; replaces serine 442 with glycine.
Molecular consequence: missense variant.
Genome position (GRCh38, 1-based): chr22:28,695,178, T>C on the plus strand (A>G on the coding strand, the complement: CHEK2 is on the minus strand). VCF-style: chr22-28695178-T-C. GRCh37 (hg19) VCF-style: chr22-29091166-T-C.
Other names: c.1453A>G, p.Ser485Gly (NM_001005735.3); c.661A>G, p.Ser221Gly (NM_001257387.3); c.1123A>G, p.Ser375Gly (NM_001349956.3); c.1237A>G, p.Ser413Gly (NM_145862.3); short protein forms S221G, S413G, S442G, S375G, S485G.
Identifiers: ClinVar variation 1769964 (VCV001769964.10), dbSNP rs2052519232, ClinGen allele CA411095878.

ClinVar aggregate classification (germline): Uncertain significance. Review status: criteria provided, multiple submitters, no conflicts (2 of 4 stars). 4 submissions from 4 submitters: Uncertain significance (4). Last evaluated 2025-06-22.

Conditions:
Hereditary cancer-predisposing syndrome. Also called: Hereditary Cancer Syndrome; Hereditary neoplastic syndrome; Neoplastic Syndromes, Hereditary; Tumor predisposition. Identifiers: Orphanet 140162, MedGen C0027672, MeSH D009386, MONDO:0015356.
Familial cancer of breast. Also called: BREAST CANCER, FAMILIAL; hereditary breast carcinoma; Hereditary breast cancer. Identifiers: Orphanet 227535, MedGen C0346153, MONDO:0016419, OMIM 114480. Disease mechanism: loss of function.

Submissions (4):

Ambry Genetics
Classification: Uncertain significance for Hereditary cancer-predisposing syndrome. Last evaluated: 2025-06-22. Review status: criteria provided, single submitter. Criteria: Ambry Variant Classification Scheme 2023. Collection method: clinical testing. Allele origin: germline.
Comment: The p.S442G variant (also known as c.1324A>G), located in coding exon 11 of the CHEK2 gene, results from an A to G substitution at nucleotide position 1324. The serine at codon 442 is replaced by glycine, an amino acid with similar properties. This amino acid position is conserved. In addition, this alteration is predicted to be tolerated by in silico analysis. Since supporting evidence is limited at this time, the clinical significance of this alteration remains unclear.

Labcorp Genetics (formerly Invitae), Labcorp
Classification: Uncertain significance for Familial cancer of breast. Last evaluated: 2025-04-07. Review status: criteria provided, single submitter. Criteria: Invitae Variant Classification Sherloc (09022015). Collection method: clinical testing. Allele origin: germline.
Comment: This sequence change replaces serine, which is neutral and polar, with glycine, which is neutral and non-polar, at codon 442 of the CHEK2 protein (p.Ser442Gly). This variant is not present in population databases (gnomAD no frequency). This variant has not been reported in the literature in individuals affected with CHEK2-related conditions. ClinVar contains an entry for this variant (Variation ID: 1769964). An algorithm developed to predict the effect of missense changes on protein structure and function (PolyPhen-2) suggests that this variant is likely to be tolerated. In summary, the available evidence is currently insufficient to determine the role of this variant in disease. Therefore, it has been classified as a Variant of Uncertain Significance.

Quest Diagnostics Nichols Institute San Juan Capistrano
Classification: Uncertain significance. Last evaluated: 2024-03-27. Review status: criteria provided, single submitter. Criteria: Quest Diagnostics criteria. Collection method: clinical testing. Allele origin: unknown.
Comment: The CHEK2 c.1324A>G (p.Ser442Gly) variant has not been reported in individuals with CHEK2-related conditions in the published literature. It also has not been reported in large, multi-ethnic general populations (Genome Aggregation Database). Analysis of this variant using bioinformatics tools for the prediction of the effect of amino acid changes on protein structure and function yielded predictions that this variant is benign. Based on the available information, we are unable to determine the clinical significance of this variant.

GeneDx
Classification: Uncertain significance. Last evaluated: 2023-02-02. Review status: criteria provided, single submitter. Criteria: GeneDx Variant Classification Process June 2021. Collection method: clinical testing. Allele origin: germline. Affected: yes.
Comment: Not observed at significant frequency in large population cohorts (gnomAD); In silico analysis supports that this missense variant does not alter protein structure/function; Has not been previously published as pathogenic or benign to our knowledge; This variant is associated with the following publications: (PMID: 19782031, 22419737)